The following is an entry in ClinVar:

NM_001257180.2(SLC20A2):c.871G>C (p.Ala291Pro)

Gene: SLC20A2 (solute carrier family 20 member 2; minus strand). Cytogenetic location: 8p11.21.
Variant type: single nucleotide variant.
Coding change: c.871G>C on transcript NM_001257180.2 (MANE Select); coding-DNA position 871, G replaced by C.
Protein change: p.Ala291Pro; replaces alanine 291 with proline.
Molecular consequence: missense variant.
Genome position (GRCh38, 1-based): chr8:42,439,513, C>G on the plus strand (G>C on the coding strand, the complement: SLC20A2 is on the minus strand). VCF-style: chr8-42439513-C-G. GRCh37 (hg19) VCF-style: chr8-42297031-C-G.
Other names: c.871G>C, p.Ala291Pro (NM_001257181.2, NM_006749.5); short protein forms A291P.
Identifiers: ClinVar variation 1474928 (VCV001474928.8), dbSNP rs1309379794, ClinGen allele CA371080709.

ClinVar aggregate classification (germline): Uncertain significance (1 of 4 stars; one submission).

Allele frequency attached by ClinVar (database versions not stated): gnomAD exomes below 0.00001; TOPMed below 0.00001.
gnomAD v4.1: 29 of 1,614,208 alleles (0.0018%); highest among the groups gnomAD compares: Non-Finnish European, 0.0025%; no homozygotes.

Submission:

Labcorp Genetics (formerly Invitae), Labcorp
Classification: Uncertain significance. Last evaluated: 2021-12-02. Review status: criteria provided, single submitter. Criteria: Invitae Variant Classification Sherloc (09022015). Collection method: clinical testing. Allele origin: germline.
Comment: This sequence change replaces alanine, which is neutral and non-polar, with proline, which is neutral and non-polar, at codon 291 of the SLC20A2 protein (p.Ala291Pro). This variant is present in population databases (no rsID available, gnomAD 0.0009%). This variant has not been reported in the literature in individuals affected with SLC20A2-related conditions. Algorithms developed to predict the effect of missense changes on protein structure and function output the following: SIFT: "Tolerated"; PolyPhen-2: "Benign"; Align-GVGD: "Class C0". The proline amino acid residue is found in multiple mammalian species, which suggests that this missense change does not adversely affect protein function. In summary, the available evidence is currently insufficient to determine the role of this variant in disease. Therefore, it has been classified as a Variant of Uncertain Significance.